The following is an entry in ClinVar:

NM_000059.4(BRCA2):c.9472A>G (p.Thr3158Ala)

Gene: BRCA2 (BRCA2 DNA repair associated; plus strand). Cytogenetic location: 13q13.1.
Variant type: single nucleotide variant.
Coding change: c.9472A>G on transcript NM_000059.4 (MANE Select); coding-DNA position 9472, A replaced by G.
Protein change: p.Thr3158Ala; replaces threonine 3158 with alanine.
Molecular consequence: missense variant.
Genome position (GRCh38, 1-based): chr13:32,394,904, A>G. VCF-style: chr13-32394904-A-G. GRCh37 (hg19) VCF-style: chr13-32969041-A-G.
Other names: p.Thr3158Ala; short protein forms T3158A.
Identifiers: ClinVar variation 188441 (VCV000188441.33), dbSNP rs786204284, ClinGen allele CA026172.
Genomic context (GRCh38, chr13:32,394,904, plus strand): 5'-TTATTTGCTGGAGATTTTTCTGTGTTTTCTGCTAGTCCAAAAGAGGGCCACTTTCAAGAG[A>G]CATTCAACAAAATGAAAAATACTGTTGAGGTAAGGTTACTTTTCAGCATCACCACACATT-3'
Protein context (NP_000050.3, residues 3148-3168): ASPKEGHFQE[Thr3158Ala]FNKMKNTVEN

ClinVar aggregate classification (germline): Conflicting classifications of pathogenicity. Review status: criteria provided, conflicting classifications (1 of 4 stars). 11 submissions from 11 submitters: Uncertain significance (8); Likely benign (3). Last evaluated 2026-01-26.

Conditions:
Hereditary cancer-predisposing syndrome. Also called: Tumor predisposition; Neoplastic Syndromes, Hereditary; Hereditary neoplastic syndrome; Hereditary Cancer Syndrome. Identifiers: Orphanet 140162, MedGen C0027672, MeSH D009386, MONDO:0015356.
Hereditary breast ovarian cancer syndrome. Also called: Hereditary breast and ovarian cancer syndrome; Hereditary breast and ovarian cancer syndrome (HBOC); Hereditary breast and ovarian cancer; Breast and ovarian cancer; BRCA1- and BRCA2-Associated Hereditary Breast and Ovarian Cancer; Hereditary breast and/or ovarian cancer syndrome. Identifiers: Orphanet 145, MedGen C0677776, MeSH D061325, MONDO:0003582. Disease mechanism: loss of function.
Breast-ovarian cancer, familial, susceptibility to, 2 (BROVCA2). Also called: BRCA2 Hereditary Breast and Ovarian Cancer. Identifiers: Orphanet 145, MedGen C2675520, MONDO:0012933, OMIM 612555. Disease mechanism: loss of function.

Allele frequency attached by ClinVar (database versions not stated): gnomAD exomes below 0.00001; gnomAD 0.00001.
gnomAD v4.1: 6 of 1,613,994 alleles (0.00037%); highest among the groups gnomAD compares: Non-Finnish European, 0.00051%; no homozygotes.

Submissions (11):

Labcorp Genetics (formerly Invitae), Labcorp
Classification: Likely benign for Hereditary breast ovarian cancer syndrome. Last evaluated: 2026-01-26. Review status: criteria provided, single submitter. Criteria: Invitae Variant Classification Sherloc (09022015). Collection method: clinical testing. Allele origin: germline.

Center for Genomic Medicine, Rigshospitalet, Copenhagen University Hospital
Classification: Uncertain significance. Last evaluated: 2025-12-29. Review status: criteria provided, single submitter. Criteria: ACMG Guidelines, 2015. Collection method: clinical testing. Allele origin: germline.
Comment: Classification criteria: BP4_supporting

Ambry Genetics
Classification: Likely benign for Hereditary cancer-predisposing syndrome. Last evaluated: 2025-05-16. Review status: criteria provided, single submitter. Criteria: Ambry Variant Classification Scheme 2023. Collection method: clinical testing. Allele origin: germline.

Mayo Clinic Laboratories, Mayo Clinic
Classification: Uncertain significance. Last evaluated: 2024-09-05. Review status: criteria provided, single submitter. Criteria: ACMG Guidelines, 2015. Collection method: clinical testing. Allele origin: germline. Observed: 1 variant allele.
Comment: PP3, PM2

All of Us Research Program, National Institutes of Health
Classification: Uncertain significance for Breast-ovarian cancer, familial, susceptibility to, 2. Last evaluated: 2024-02-05. Review status: criteria provided, single submitter. Criteria: ACMG Guidelines, 2015. Collection method: clinical testing. Allele origin: germline. Inheritance: Autosomal dominant inheritance. Observed: 2 variant alleles, 2 heterozygotes.
Comment: This missense variant replaces threonine with alanine at codon 3158 of the BRCA2 protein. Computational prediction suggests that this variant may not impact protein structure and function (internally defined REVEL score threshold <= 0.5, PMID: 27666373). To our knowledge, functional studies have not been reported for this variant. This variant has been reported in a suspected hereditary cancer family (PMID: 31159747). This variant has not been identified in the general population by the Genome Aggregation Database (gnomAD). The available evidence is insufficient to determine the role of this variant in disease conclusively. Therefore, this variant is classified as a Variant of Uncertain Significance.

This study involves interpretation of variants in research participants for the purpose of population health screening. Participant phenotype was not available at the time of variant classification. Additional details can be found in publication PMID: 35346344, PMCID: PMC8962531

Blueprint Genetics
Classification: Likely benign. Last evaluated: 2024-01-16. Review status: criteria provided, single submitter. Criteria: ACMG Guidelines, 2015. Collection method: clinical testing. Allele origin: germline.

Quest Diagnostics Nichols Institute San Juan Capistrano
Classification: Uncertain significance. Last evaluated: 2023-09-06. Review status: criteria provided, single submitter. Criteria: Quest Diagnostics criteria. Collection method: clinical testing. Allele origin: unknown.
Comment: In the published literature, this variant has been reported in at least one individual with hereditary breast and/or ovarian cancer (PMID: 31921681 (2019)). The frequency of this variant in the general population, 0.0000066 (1/152210 chromosomes (Genome Aggregation Database)), is uninformative in the assessment of its pathogenicity. Analysis of this variant using bioinformatics tools for the prediction of the effect of amino acid changes on protein structure and function yielded predictions that this variant is benign. Based on the available information, we are unable to determine the clinical significance of this variant.

Color Diagnostics, LLC DBA Color Health
Classification: Uncertain significance for Hereditary cancer-predisposing syndrome. Last evaluated: 2023-03-29. Review status: criteria provided, single submitter. Criteria: ACMG Guidelines, 2015. Collection method: clinical testing. Allele origin: germline.
Comment: This missense variant replaces threonine with alanine at codon 3158 of the BRCA2 protein. Computational prediction suggests that this variant may not impact protein structure and function (internally defined REVEL score threshold <= 0.5, PMID: 27666373). To our knowledge, functional studies have not been reported for this variant. This variant has been reported in a suspected hereditary cancer family (PMID: 31159747). This variant has not been identified in the general population by the Genome Aggregation Database (gnomAD). The available evidence is insufficient to determine the role of this variant in disease conclusively. Therefore, this variant is classified as a Variant of Uncertain Significance.

Women's Health and Genetics/Laboratory Corporation of America, LabCorp
Classification: Uncertain significance. Last evaluated: 2019-11-21. Review status: criteria provided, single submitter. Criteria: LabCorp Variant Classification Summary - May 2015. Collection method: clinical testing. Allele origin: germline.
Comment: Variant summary: BRCA2 c.9472A>G (p.Thr3158Ala) results in a non-conservative amino acid change located in the BRCA2, OB3 of the encoded protein sequence. Four of five in-silico tools predict a benign effect of the variant on protein function. The variant was absent in 251246 control chromosomes (gnomAD). The available data on variant occurrences in the general population are insufficient to allow any conclusion about variant significance. c.9472A>G has been reported in the literature (Tsaousis_2019). This report does not provide an unequivocal conclusion about association of the variant with Hereditary Breast and Ovarian Cancer. To our knowledge, no experimental evidence demonstrating an impact on protein function has been reported. Three ClinVar submissions (evaluation after 2014) cite the variant once as likely benign and twice as uncertain significance. Based on the evidence outlined above, the variant was classified as uncertain significance.

GeneDx
Classification: Uncertain significance. Last evaluated: 2019-04-19. Review status: criteria provided, single submitter. Criteria: GeneDx Variant Classification Process June 2021. Collection method: clinical testing. Allele origin: germline. Affected: yes.
Comment: Not observed in large population cohorts (Lek et al., 2016); Has not been previously published as pathogenic or benign to our knowledge; This variant is associated with the following publications: (PMID: 31159747)

GeneKor MSA
Classification: Uncertain significance for Hereditary cancer-predisposing syndrome. Last evaluated: 2018-08-01. Review status: criteria provided, single submitter. Criteria: ACMG Guidelines, 2015. Collection method: clinical testing. Allele origin: germline. Affected: no.

Literature cited by the submitters: PubMed 31159747 (cited by 5 submitters); PubMed 31921681 (cited by Ambry Genetics and Quest Diagnostics Nichols Institute San Juan Capistrano); PubMed 31853058 (cited by Quest Diagnostics Nichols Institute San Juan Capistrano).